The following is an entry in ClinVar:

NM_000426.4(LAMA2):c.8728G>A (p.Val2910Ile)

Gene: LAMA2 (laminin subunit alpha 2; plus strand). Cytogenetic location: 6q22.33.
Variant type: single nucleotide variant.
Coding change: c.8728G>A on transcript NM_000426.4 (MANE Select); coding-DNA position 8728, G replaced by A.
Protein change: p.Val2910Ile; replaces valine 2910 with isoleucine.
Molecular consequence: missense variant.
Genome position (GRCh38, 1-based): chr6:129,507,513, G>A. VCF-style: chr6-129507513-G-A. GRCh37 (hg19) VCF-style: chr6-129828658-G-A.
Other names: c.8716G>A, p.Val2906Ile (NM_001079823.2); short protein forms V2910I, V2906I.
Identifiers: ClinVar variation 355304 (VCV000355304.27), dbSNP rs141479751, ClinGen allele CA3994908.

ClinVar aggregate classification (germline): Conflicting classifications of pathogenicity. Review status: criteria provided, conflicting classifications (1 of 4 stars). 8 submissions from 8 submitters: Uncertain significance (2); Likely benign (3). 3 of the submissions do not count toward it. Last evaluated 2026-02-01.

Conditions:
LAMA2-related disorder. Also called: LAMA2-related disorders; LAMA2-related condition.
Congenital muscular dystrophy due to partial LAMA2 deficiency. Identifiers: MedGen C1842898.
LAMA2-related muscular dystrophy (LAMA2-RD). Also called: Laminin alpha 2-related dystrophy. Identifiers: MedGen C5679788, MONDO:0100228.

Allele frequency attached by ClinVar (database versions not stated): ExAC 0.00057; 1000 Genomes Project 0.00120; 1000 Genomes Project 30x 0.00125; gnomAD 0.00150; TOPMed 0.00166; ESP Exome Variant Server 0.00192.
gnomAD v4.1: 776 of 1,614,138 alleles (0.048%); highest among the groups gnomAD compares: African/African-American, 0.5%; 3 homozygotes.

Submissions (8):

Labcorp Genetics (formerly Invitae), Labcorp
Classification: Likely benign for LAMA2-related muscular dystrophy. Last evaluated: 2026-02-01. Review status: criteria provided, single submitter. Criteria: Invitae Variant Classification Sherloc (09022015). Collection method: clinical testing. Allele origin: germline.

Blueprint Genetics
Classification: Likely benign. Last evaluated: 2024-10-24. Review status: criteria provided, single submitter. Criteria: ACMG Guidelines, 2015. Collection method: clinical testing. Allele origin: germline.

GeneDx
Classification: Likely benign. Last evaluated: 2021-03-05. Review status: criteria provided, single submitter. Criteria: GeneDx Variant Classification Process June 2021. Collection method: clinical testing. Allele origin: germline. Affected: yes.

Illumina Laboratory Services, Illumina
Classification: Uncertain significance for Congenital muscular dystrophy due to partial LAMA2 deficiency. Last evaluated: 2018-01-12. Review status: criteria provided, single submitter. Criteria: ICSL Variant Classification Criteria 13 December 2019. Collection method: clinical testing. Allele origin: germline.

Eurofins Ntd Llc (ga)
Classification: Uncertain significance. Last evaluated: 2016-10-28. Review status: criteria provided, single submitter. Criteria: EGL Classification Definitions 2015. Collection method: clinical testing. Allele origin: germline. Observed: 3 variant alleles, 3 heterozygotes.

PreventionGenetics, part of Exact Sciences
Classification: Likely benign for LAMA2-related condition. Last evaluated: 2019-06-18. Review status: no assertion criteria provided. Collection method: clinical testing. Allele origin: germline. Not counted in ClinVar's aggregate classification.
Comment: This variant is classified as likely benign based on ACMG/AMP sequence variant interpretation guidelines (Richards et al. 2015 PMID: 25741868, with internal and published modifications).

Clinical Genetics DNA and cytogenetics Diagnostics Lab, Erasmus MC, Erasmus Medical Center
Classification: Likely benign. Review status: no assertion criteria provided. Collection method: clinical testing. Allele origin: germline. Affected: yes. Study: VKGL Data-share Consensus. Not counted in ClinVar's aggregate classification.

Laboratory of Diagnostic Genome Analysis, Leiden University Medical Center (LUMC)
Classification: Likely benign. Review status: no assertion criteria provided. Collection method: clinical testing. Allele origin: germline. Affected: yes. Study: VKGL Data-share Consensus. Not counted in ClinVar's aggregate classification.